The following is an entry in ClinVar:

NM_004006.3(DMD):c.30T>C (p.Cys10=)

Gene: DMD (dystrophin; minus strand). Cytogenetic location: Xp21.1.
Variant type: single nucleotide variant.
Coding change: c.30T>C on transcript NM_004006.3 (MANE Select); coding-DNA position 30, T replaced by C.
Protein change: p.Cys10=; no amino-acid change (cysteine 10 retained).
Molecular consequence: synonymous variant. On other transcripts: intron variant (1).
Genome position (GRCh38, 1-based): chrX:33,211,283, A>G on the plus strand (T>C on the coding strand, the complement: DMD is on the minus strand). VCF-style: chrX-33211283-A-G. GRCh37 (hg19) VCF-style: chrX-33229400-A-G.
Other names: c.7+127976T>C (NM_000109.4).
Identifiers: ClinVar variation 3013815 (VCV003013815.3), dbSNP rs2521941756, ClinGen allele CA515867370.

ClinVar aggregate classification (germline): Uncertain significance (1 of 4 stars; one submission).

Conditions:
Duchenne muscular dystrophy (DMD). Also called: MUSCULAR DYSTROPHY, PSEUDOHYPERTROPHIC PROGRESSIVE, DUCHENNE TYPE; Duchenne Muscular Dystrophy (DMD). Identifiers: Orphanet 98896, MedGen C0013264, MONDO:0010679, OMIM 310200.

Allele frequency attached by ClinVar (database versions not stated): gnomAD exomes below 0.00001.
gnomAD v4.1: 1 of 1,209,342 alleles (0.000083%); highest among the groups gnomAD compares: Non-Finnish European, 0.00011%; no homozygotes.

Submission:

Labcorp Genetics (formerly Invitae), Labcorp
Classification: Uncertain significance for Duchenne muscular dystrophy. Last evaluated: 2024-12-09. Review status: criteria provided, single submitter. Criteria: Invitae Variant Classification Sherloc (09022015). Collection method: clinical testing. Allele origin: germline.
Comment: This sequence change affects codon 10 of the DMD mRNA. It is a 'silent' change, meaning that it does not change the encoded amino acid sequence of the DMD protein. It affects a nucleotide within the consensus splice site. This variant is not present in population databases (gnomAD no frequency). This variant has not been reported in the literature in individuals affected with DMD-related conditions. ClinVar contains an entry for this variant (Variation ID: 3013815). Algorithms developed to predict the effect of sequence changes on RNA splicing suggest that this variant is not likely to affect RNA splicing. In summary, the available evidence is currently insufficient to determine the role of this variant in disease. Therefore, it has been classified as a Variant of Uncertain Significance.